The following is an entry in ClinVar:

ClinVar aggregate classification (germline): Uncertain significance. Review status: criteria provided, multiple submitters, no conflicts (2 of 4 stars). 3 submissions from 3 submitters: Uncertain significance (3). Last evaluated 2025-07-23.

Conditions:
Cortical dysplasia, complex, with other brain malformations 13. Also called: Intellectual disability, autosomal dominant 13. Identifiers: MedGen C3281202, MONDO:0013805, OMIM 614563.
Charcot-Marie-Tooth disease axonal type 2O. Also called: CHARCOT-MARIE-TOOTH NEUROPATHY, AXONAL, TYPE 2O; CHARCOT-MARIE-TOOTH DISEASE, AXONAL, AUTOSOMAL DOMINANT, TYPE 2O; Charcot-Marie-Tooth Neuropathy Type 2O; Charcot-Marie-Tooth disease, axonal, type 20. Identifiers: Orphanet 284232, MedGen C3280220, MONDO:0013644, OMIM 614228.

Allele frequency attached by ClinVar (database versions not stated): gnomAD exomes below 0.00001.
gnomAD v4.1: 2 of 1,614,102 alleles (0.00012%); highest among the groups gnomAD compares: Non-Finnish European, 0.00017%; no homozygotes.

Submissions (3):

Labcorp Genetics (formerly Invitae), Labcorp
Classification: Uncertain significance for Charcot-Marie-Tooth disease axonal type 2O. Last evaluated: 2025-07-23. Review status: criteria provided, single submitter. Criteria: Invitae Variant Classification Sherloc (09022015). Collection method: clinical testing. Allele origin: germline.
Comment: This sequence change replaces tyrosine, which is neutral and polar, with cysteine, which is neutral and slightly polar, at codon 3901 of the DYNC1H1 protein (p.Tyr3901Cys). This variant is not present in population databases (gnomAD no frequency). This variant has not been reported in the literature in individuals affected with DYNC1H1-related conditions. ClinVar contains an entry for this variant (Variation ID: 976128). Invitae Evidence Modeling of protein sequence and biophysical properties (such as structural, functional, and spatial information, amino acid conservation, physicochemical variation, residue mobility, and thermodynamic stability) indicates that this missense variant is not expected to disrupt DYNC1H1 protein function with a negative predictive value of 95%. In summary, the available evidence is currently insufficient to determine the role of this variant in disease. Therefore, it has been classified as a Variant of Uncertain Significance.

Mayo Clinic Laboratories, Mayo Clinic
Classification: Uncertain significance. Last evaluated: 2025-05-18. Review status: criteria provided, single submitter. Criteria: ACMG Guidelines, 2015. Collection method: clinical testing. Allele origin: germline. Observed: 1 variant allele.
Comment: BP4, PP2

Institute of Human Genetics, University of Leipzig Medical Center
Classification: Uncertain significance for Cortical dysplasia, complex, with other brain malformations 13. Last evaluated: 2018-09-03. Review status: criteria provided, single submitter. Criteria: ACMG Guidelines, 2015. Collection method: clinical testing. Allele origin: germline. Affected: yes. Observed: 1 variant allele.

NM_001376.5(DYNC1H1):c.11702A>G (p.Tyr3901Cys)

Gene: DYNC1H1 (dynein cytoplasmic 1 heavy chain 1; plus strand). Cytogenetic location: 14q32.31.
Variant type: single nucleotide variant.
Coding change: c.11702A>G on transcript NM_001376.5 (MANE Select); coding-DNA position 11702, A replaced by G.
Protein change: p.Tyr3901Cys; replaces tyrosine 3901 with cysteine.
Molecular consequence: missense variant.
Genome position (GRCh38, 1-based): chr14:102,040,247, A>G. VCF-style: chr14-102040247-A-G. GRCh37 (hg19) VCF-style: chr14-102506584-A-G.
Other names: p.Tyr3901Cys; short protein forms Y3901C.
Identifiers: ClinVar variation 976128 (VCV000976128.4), dbSNP rs2048630862, ClinGen allele CA391036426.